The following is an entry in ClinVar:

NM_020831.6(MRTFA):c.308-17G>A

Gene: MRTFA (myocardin related transcription factor A; minus strand). Cytogenetic location: 22q13.1.
Variant type: single nucleotide variant.
Coding change: c.308-17G>A on transcript NM_020831.6 (MANE Select); 17 bases into the intron before coding-DNA position 308, G replaced by A.
Molecular consequence: intron variant.
Genome position (GRCh38, 1-based): chr22:40,435,571, C>T on the plus strand (G>A on the coding strand, the complement: MRTFA is on the minus strand). VCF-style: chr22-40435571-C-T. GRCh37 (hg19) VCF-style: chr22-40831575-C-T.
Other names: c.308-17G>A (NM_001282661.3, NM_001282662.3); c.113-17G>A (NM_001318139.2); c.8-17G>A (NM_001282660.2).
Identifiers: ClinVar variation 1683164 (VCV001683164.8), dbSNP rs376203003, ClinGen allele CA10250023.

ClinVar aggregate classification (germline): Uncertain significance (1 of 4 stars; one submission).

Allele frequency attached by ClinVar (database versions not stated): ExAC 0.00002; gnomAD exomes 0.00002; TOPMed 0.00002; gnomAD 0.00004; ESP Exome Variant Server 0.00008.
gnomAD v4.1: 38 of 1,613,668 alleles (0.0024%); highest among the groups gnomAD compares: South Asian, 0.012%; no homozygotes.

Submission:

Labcorp Genetics (formerly Invitae), Labcorp
Classification: Uncertain significance. Last evaluated: 2025-07-21. Review status: criteria provided, single submitter. Criteria: Invitae Variant Classification Sherloc (09022015). Collection method: clinical testing. Allele origin: germline.
Comment: This sequence change falls in intron 4 of the MKL1 gene. It does not directly change the encoded amino acid sequence of the MKL1 protein. This variant is present in population databases (rs376203003, gnomAD 0.004%). This variant has not been reported in the literature in individuals affected with MKL1-related conditions. ClinVar contains an entry for this variant (Variation ID: 1683164). Algorithms developed to predict the effect of sequence changes on RNA splicing suggest that this variant may disrupt the consensus splice site. In summary, the available evidence is currently insufficient to determine the role of this variant in disease. Therefore, it has been classified as a Variant of Uncertain Significance.